The following is an entry in ClinVar:

NC_012920.1(MT-ATP8):m.8478C>T

Gene: MT-ATP8 (mitochondrially encoded ATP synthase 8; plus strand).
Variant type: single nucleotide variant.
Genome position: chrM-8478-C-T.
Identifiers: ClinVar variation 692872 (VCV000692872.1), dbSNP rs201902227, ClinGen allele CA337097898.

ClinVar aggregate classification (germline): Benign (1 of 4 stars; one submission).

Conditions:
Leigh syndrome (NULS). Also called: Leigh's necrotizing encephalopathy; Leigh's disease; Leigh Syndrome (mtDNA deletion); Leigh Disease; Subacute necrotizing encephalopathy; Necrotizing encephalopathy infantile subacute of Leigh. Identifiers: Orphanet 506, MedGen C2931891, MONDO:0009723, OMIM 256000.

Submission:

Wong Mito Lab, Molecular and Human Genetics, Baylor College of Medicine
Classification: Benign for Leigh syndrome. Last evaluated: 2019-10-17. Review status: criteria provided, single submitter. Criteria: Modified ACMG Guidelines (Unpublished). Collection method: clinical testing. Allele origin: germline.
Comment: The NC_012920.1:m.8478C>T (YP_003024030.1:p.Ser38Leu) variant in MTATP8 gene is interpretated to be a Benign variant based on the modified ACMG guidelines (unpublished). This variant meets the following evidence codes: BS1, BS2, BP4